The following is an entry in ClinVar:

ClinVar aggregate classification (germline): Uncertain significance. Review status: criteria provided, single submitter (1 of 4 stars). 2 submissions from 2 submitters: Uncertain significance (1). 1 of the submissions does not count toward it. Last evaluated 2023-05-08.

Conditions:
ALG3-congenital disorder of glycosylation. Also called: CONGENITAL DISORDER OF GLYCOSYLATION, TYPE Id; CARBOHYDRATE-DEFICIENT GLYCOPROTEIN SYNDROME, TYPE IV; CDGS, TYPE IV; CDG Id; ALG3-CDG. Identifiers: Orphanet 79321, MedGen C1832736, MONDO:0010998, OMIM 601110.

Submissions (2):

Women's Health and Genetics/Laboratory Corporation of America, LabCorp
Classification: Uncertain significance. Last evaluated: 2023-05-08. Review status: criteria provided, single submitter. Criteria: LabCorp Variant Classification Summary - May 2015. Collection method: clinical testing. Allele origin: germline.
Comment: Variant summary: ALG3 c.211T>C (p.Trp71Arg) results in a non-conservative amino acid change in the encoded protein sequence. Five of five in-silico tools predict a damaging effect of the variant on protein function. The variant was absent in 247990 control chromosomes (gnomAD). c.211T>C has been reported in the literature as a compound heterozygous genotype in two siblings affected with ALG3-congenital disorder of glycosylation (e.g. Kranz_2007). These data indicate that the variant may be associated with disease. To our knowledge, no experimental evidence demonstrating an impact on protein function has been reported. The following publications have been ascertained in the context of this evaluation (PMID: 17551933, 12357336). No clinical diagnostic laboratories have submitted clinical-significance assessments for this variant to ClinVar after 2014. Based on the evidence outlined above, the variant was classified as VUS-possibly pathogenic.

OMIM
Classification: Pathogenic for CONGENITAL DISORDER OF GLYCOSYLATION, TYPE Id. Last evaluated: 2007-07-01. Review status: no assertion criteria provided. Collection method: literature only. Allele origin: germline. Not counted in ClinVar's aggregate classification.

Literature cited by the submitters: PubMed 12357336 (cited by Women's Health and Genetics/Laboratory Corporation of America, LabCorp); PubMed 17551933 (cited by Women's Health and Genetics/Laboratory Corporation of America, LabCorp and OMIM).

NM_005787.6(ALG3):c.211T>C (p.Trp71Arg)

Gene: ALG3 (ALG3 alpha-1,3- mannosyltransferase; minus strand). Cytogenetic location: 3q27.1.
Variant type: single nucleotide variant.
Coding change: c.211T>C on transcript NM_005787.6 (MANE Select); coding-DNA position 211, T replaced by C.
Protein change: p.Trp71Arg; replaces tryptophan 71 with arginine.
Molecular consequence: missense variant. On other transcripts: non-coding transcript variant (1).
Genome position (GRCh38, 1-based): chr3:184,245,798, A>G on the plus strand (T>C on the coding strand, the complement: ALG3 is on the minus strand). VCF-style: chr3-184245798-A-G. GRCh37 (hg19) VCF-style: chr3-183963586-A-G.
Other names: c.67T>C, p.Trp23Arg (NM_001006941.2); c.211T>C (NM_005787.5); short protein forms W71R, W23R.
Identifiers: ClinVar variation 2130 (VCV000002130.2), dbSNP rs119103237, ClinGen allele CA252108.